The following is an entry in ClinVar:

NM_025114.4(CEP290):c.6417dup (p.Val2140fs)

Gene: CEP290 (centrosomal protein 290; minus strand). Cytogenetic location: 12q21.32.
Variant type: Duplication.
Coding change: c.6417dup on transcript NM_025114.4 (MANE Select); coding-DNA position 6417, one base duplicated (A; older notation c.6417dupA).
Protein change: p.Val2140fs; shifts the reading frame from valine 2140.
Molecular consequence: frameshift variant.
Genome position (GRCh38, 1-based): chr12:88,060,935, T duplicated on the plus strand (A on the coding strand, the reverse complement: CEP290 is on the minus strand); the first of 6 consecutive T bases (chr12:88,060,935-88,060,940); duplicating any one gives the same sequence. VCF-style (leftmost placement, unchanged base first): chr12-88060934-C-CT. GRCh37 (hg19) VCF-style: chr12-88454711-C-CT.
Other names: c.6417dup (NM_025114.3); short protein forms V2140fs.
Identifiers: ClinVar variation 2947571 (VCV002947571.7), dbSNP rs1225676118, ClinGen allele CA606675635.
Genomic context (GRCh38, chr12:88,060,934, plus strand): 5'-TAGTCAATATTCCTGATGCTTTTTTCAACTGTTCATTTTCTCTCTGGACTTTTTCAACTA[C>CT]TTTTTTCATTAAACCAATGGTTTTTTCCAGTTCTGGGATTGTCTTTCCACTTCTACCAGA-3'

ClinVar aggregate classification (germline): Pathogenic/Likely pathogenic. Review status: criteria provided, multiple submitters, no conflicts (2 of 4 stars). 4 submissions from 4 submitters: Pathogenic (2); Likely pathogenic (2). Last evaluated 2025-11-04.

Conditions:
Leber congenital amaurosis 10 (LCA10). Identifiers: Orphanet 65, MedGen C1857821, MONDO:0012723, OMIM 611755.
Joubert syndrome 5 (JBTS5). Identifiers: Orphanet 2318, MedGen C1857780, MONDO:0012432, OMIM 610188.
Bardet-Biedl syndrome 14 (BBS14). Identifiers: Orphanet 110, MedGen C2673874, MONDO:0014442, OMIM 615991.
Meckel syndrome, type 4 (MKS4). Also called: MECKEL-GRUBER SYNDROME, TYPE 4. Identifiers: Orphanet 564, MedGen C1970161, MONDO:0012626, OMIM 611134.
Senior-Loken syndrome 6 (SLSN6). Identifiers: Orphanet 3156, MedGen C1857779, MONDO:0012433, OMIM 610189.
CEP290-related ciliopathy. Also called: CEP290 ciliopathy. Identifiers: MedGen CN305601, MONDO:0100451.
Joubert syndrome. Also called: JOUBERT-BOLTSHAUSER SYNDROME; Familial aplasia of the vermis. Identifiers: Orphanet 475, MedGen C5979921, MONDO:0018772.
Nephronophthisis. Also called: Juvenile Nephronophthisis. Identifiers: Orphanet 655, MedGen C0687120, MONDO:0019005, HP:0000090.
Meckel-Gruber syndrome. Also called: DYSENCEPHALIA SPLANCHNOCYSTICA; GRUBER SYNDROME; Dysencephalia splachnocystica. Identifiers: Orphanet 564, MedGen C0265215, MONDO:0018921.
Leber congenital amaurosis (LCA). Also called: Leber's amaurosis. Identifiers: Orphanet 65, MedGen C0339527, MeSH D057130, MONDO:0018998.

Submissions (4):

Myriad Genetics, Inc.
Classification: Pathogenic for CEP290-related ciliopathy. Last evaluated: 2025-11-04. Review status: criteria provided, single submitter. Criteria: Myriad Autosomal Dominant, Autosomal Recessive and X-Linked Classification Criteria (2023). Collection method: clinical testing. Allele origin: unknown.
Comment: NM_025114.3(CEP290):c.6417dupA(V2140Sfs*3) is expected to be pathogenic in the context of CEP290-related disorders. This variant is predicted to lead to an abnormal or absent protein product due to the creation of a premature termination codon in CEP290, a gene where loss-of-function variants are known to be pathogenic. Please note: this variant was assessed in the context of healthy population screening.

Natera, Inc.
Classification: Likely pathogenic for Leber congenital amaurosis. Last evaluated: 2025-10-22. Review status: criteria provided, single submitter. Criteria: Natera Variant Classification Schema (03/2026). Collection method: clinical testing. Allele origin: germline.
Comment: The c.6417dup variant in CEP290 is a frameshift variant predicted to shift the reading frame beginning at codon 2140 and leads to a stop codon 3 codons downstream. This variant is expected to result in nonsense mediated decay, truncation, or a dysfunctional protein product. This variant is rare in the general population with a frequency below the threshold expected for the associated phenotype(s). Given the available evidence, this variant is classified as Likely Pathogenic.

Labcorp Genetics (formerly Invitae), Labcorp
Classification: Pathogenic for Joubert syndrome; Meckel-Gruber syndrome; Nephronophthisis. Last evaluated: 2023-05-16. Review status: criteria provided, single submitter. Criteria: Invitae Variant Classification Sherloc (09022015). Collection method: clinical testing. Allele origin: germline.
Comment: This variant is present in population databases (no rsID available, gnomAD 0.004%). For these reasons, this variant has been classified as Pathogenic. This variant has not been reported in the literature in individuals affected with CEP290-related conditions. This sequence change creates a premature translational stop signal (p.Val2140Serfs*3) in the CEP290 gene. It is expected to result in an absent or disrupted protein product. Loss-of-function variants in CEP290 are known to be pathogenic (PMID: 16909394, 17345604, 20690115).

Juno Genomics, Hangzhou Juno Genomics, Inc
Classification: Likely pathogenic for Bardet-Biedl syndrome 14; Joubert syndrome 5; Leber congenital amaurosis 10; Meckel syndrome, type 4; Senior-Loken syndrome 6. Review status: criteria provided, single submitter. Criteria: ACMG Guidelines, 2015. Collection method: clinical testing. Allele origin: germline.
Comment: Null variant in a gene where loss of function (LOF) is a known mechanism of disease.;Absent from controls (or at extremely low frequency if recessive) in Genome Aggregation Database.

Literature cited by the submitters: PubMed 16909394 (cited by Labcorp Genetics (formerly Invitae), Labcorp); PubMed 17345604 (cited by Labcorp Genetics (formerly Invitae), Labcorp); PubMed 20690115 (cited by Labcorp Genetics (formerly Invitae), Labcorp).